The following is an entry in ClinVar:

ClinVar aggregate classification (germline): Pathogenic (1 of 4 stars; one submission).

Conditions:
Neuronal ceroid lipofuscinosis. Also called: Neuronal Ceroid Lipofuscinoses. Identifiers: Orphanet 216, Orphanet 79263, MedGen C0027877, MONDO:0016295. Disease mechanism: loss of function.

Submission:

Labcorp Genetics (formerly Invitae), Labcorp
Classification: Pathogenic for Neuronal ceroid lipofuscinosis. Last evaluated: 2024-01-24. Review status: criteria provided, single submitter. Criteria: Invitae Variant Classification Sherloc (09022015). Collection method: clinical testing. Allele origin: germline.
Comment: This sequence change creates a premature translational stop signal (p.Lys122Serfs*41) in the CLN5 gene. It is expected to result in an absent or disrupted protein product. Loss-of-function variants in CLN5 are known to be pathogenic (PMID: 20157158). This variant is not present in population databases (gnomAD no frequency). This variant has not been reported in the literature in individuals affected with CLN5-related conditions. For these reasons, this variant has been classified as Pathogenic.

Literature cited by the submitters: PubMed 20157158.

NM_006493.4(CLN5):c.216del (p.Lys73fs)

Gene: CLN5 (CLN5 lysosomal BMP synthase; plus strand). Cytogenetic location: 13q22.3.
Variant type: Deletion.
Coding change: c.216del on transcript NM_006493.4 (MANE Select); coding-DNA position 216, one base deleted (T; older notation c.216delT).
Protein change: p.Lys73fs; shifts the reading frame from lysine 73.
Molecular consequence: frameshift variant.
Genome position (GRCh38, 1-based): chr13:76,995,105, T deleted. VCF-style (leftmost placement, unchanged base first): chr13-76995104-CT-C. GRCh37 (hg19) VCF-style: chr13-77569239-CT-C.
Other names: c.216del, p.Lys73fs (NM_001366624.2); short protein forms K73fs.
Identifiers: ClinVar variation 2710995 (VCV002710995.3), dbSNP rs2501135233, ClinGen allele CA2697551911.